The following is an entry in ClinVar:

ClinVar aggregate classification (germline): Uncertain significance. Review status: criteria provided, multiple submitters, no conflicts (2 of 4 stars). 2 submissions from 2 submitters: Uncertain significance (2). Last evaluated 2024-06-03.

Conditions:
Inborn genetic diseases. Identifiers: MedGen C0950123, MeSH D030342.

Submissions (2):

Ambry Genetics
Classification: Uncertain significance for Inborn genetic diseases. Last evaluated: 2024-06-03. Review status: criteria provided, single submitter. Criteria: Ambry Variant Classification Scheme 2023. Collection method: clinical testing. Allele origin: germline.

Labcorp Genetics (formerly Invitae), Labcorp
Classification: Uncertain significance. Last evaluated: 2022-02-11. Review status: criteria provided, single submitter. Criteria: Invitae Variant Classification Sherloc (09022015). Collection method: clinical testing. Allele origin: germline.
Comment: This sequence change replaces proline, which is neutral and non-polar, with serine, which is neutral and polar, at codon 911 of the AP3B2 protein (p.Pro911Ser). This variant is not present in population databases (gnomAD no frequency). This variant has not been reported in the literature in individuals affected with AP3B2-related conditions. Algorithms developed to predict the effect of missense changes on protein structure and function output the following: SIFT: "Tolerated"; PolyPhen-2: "Possibly Damaging"; Align-GVGD: "Class C0". The serine amino acid residue is found in multiple mammalian species, which suggests that this missense change does not adversely affect protein function. In summary, the available evidence is currently insufficient to determine the role of this variant in disease. Therefore, it has been classified as a Variant of Uncertain Significance.

NM_001278512.2(AP3B2):c.2788C>T (p.Pro930Ser)

Genes: AP3B2 (adaptor related protein complex 3 subunit beta 2; minus strand), CPEB1-AS1 (CPEB1 antisense RNA 1; plus strand). Cytogenetic location: 15q25.2.
Variant type: single nucleotide variant.
Coding change: c.2788C>T on transcript NM_001278512.2 (MANE Select); coding-DNA position 2788, C replaced by T.
Protein change: p.Pro930Ser; replaces proline 930 with serine.
Molecular consequence: missense variant.
Genome position (GRCh38, 1-based): chr15:82,662,739, G>A on the plus strand (C>T on the coding strand, the complement: AP3B2 is on the minus strand). VCF-style: chr15-82662739-G-A. GRCh37 (hg19) VCF-style: chr15-83331491-G-A.
Other names: c.2635C>T, p.Pro879Ser (NM_001278511.2); c.2731C>T, p.Pro911Ser (NM_004644.5); c.2731C>T (NM_004644.3); short protein forms P879S, P911S, P930S.
Identifiers: ClinVar variation 1522588 (VCV001522588.7), dbSNP rs773235845, ClinGen allele CA273479681.